The following is an entry in ClinVar:

ClinVar aggregate classification (germline): Uncertain significance. Review status: criteria provided, multiple submitters, no conflicts (2 of 4 stars). 4 submissions from 3 submitters: Uncertain significance (4). Last evaluated 2024-10-24.

Conditions:
Pontocerebellar hypoplasia type 9. Identifiers: Orphanet 369920, MedGen C4014354, MONDO:0014351, OMIM 615809.
Hereditary spastic paraplegia 63. Also called: Spastic paraplegia 63, autosomal recessive. Identifiers: Orphanet 401805, MedGen C3810295, MONDO:0014305, OMIM 615686.

Allele frequency attached by ClinVar (database versions not stated): gnomAD 0.00001; ExAC 0.00002; TOPMed 0.00002.

Submissions (4):

Labcorp Genetics (formerly Invitae), Labcorp
Classification: Uncertain significance for Pontocerebellar hypoplasia type 9; Hereditary spastic paraplegia 63. Last evaluated: 2024-10-24. Review status: criteria provided, single submitter. Criteria: Invitae Variant Classification Sherloc (09022015). Collection method: clinical testing. Allele origin: germline.
Comment: This sequence change replaces arginine, which is basic and polar, with cysteine, which is neutral and slightly polar, at codon 324 of the AMPD2 protein (p.Arg324Cys). This variant is present in population databases (rs780128589, gnomAD 0.02%). This variant has not been reported in the literature in individuals affected with AMPD2-related conditions. ClinVar contains an entry for this variant (Variation ID: 2140598). An algorithm developed to predict the effect of missense changes on protein structure and function (PolyPhen-2) suggests that this variant is likely to be disruptive. In summary, the available evidence is currently insufficient to determine the role of this variant in disease. Therefore, it has been classified as a Variant of Uncertain Significance.

Genome-Nilou Lab
Classification: Uncertain significance for Hereditary spastic paraplegia 63. Last evaluated: 2023-04-11. Review status: criteria provided, single submitter. Criteria: ACMG Guidelines, 2015. Collection method: clinical testing. Allele origin: germline. Affected: no.

Genome-Nilou Lab
Classification: Uncertain significance for Pontocerebellar hypoplasia type 9. Last evaluated: 2023-04-11. Review status: criteria provided, single submitter. Criteria: ACMG Guidelines, 2015. Collection method: clinical testing. Allele origin: germline. Affected: no.

GeneDx
Classification: Uncertain significance. Last evaluated: 2023-03-29. Review status: criteria provided, single submitter. Criteria: GeneDx Variant Classification Process June 2021. Collection method: clinical testing. Allele origin: germline. Affected: yes.
Comment: In silico analysis supports that this missense variant has a deleterious effect on protein structure/function; Has not been previously published as pathogenic or benign to our knowledge; In silico analysis suggests this variant may impact gene splicing. In the absence of RNA/functional studies, the actual effect of this sequence change is unknown.

NM_001368809.2(AMPD2):c.808C>T (p.Arg270Cys)

Gene: AMPD2 (adenosine monophosphate deaminase 2; plus strand). Cytogenetic location: 1p13.3.
Variant type: single nucleotide variant.
Coding change: c.808C>T on transcript NM_001368809.2 (MANE Select); coding-DNA position 808, C replaced by T.
Protein change: p.Arg270Cys; replaces arginine 270 with cysteine.
Molecular consequence: missense variant.
Genome position (GRCh38, 1-based): chr1:109,627,264, C>T. VCF-style: chr1-109627264-C-T. GRCh37 (hg19) VCF-style: chr1-110169886-C-T.
Other names: c.616C>T, p.Arg206Cys (NM_001257361.2); c.745C>T, p.Arg249Cys (NM_001308170.1); c.808C>T, p.Arg270Cys (NM_004037.9); c.727C>T, p.Arg243Cys (NM_139156.4); c.970C>T (NM_001257360.1); short protein forms R206C, R243C, R249C, R270C.
Identifiers: ClinVar variation 2140598 (VCV002140598.6), dbSNP rs780128589, ClinGen allele CA992914.